The following is an entry in ClinVar:

NM_000497.4(CYP11B1):c.367C>G (p.Arg123Gly)

Gene: CYP11B1 (cytochrome P450 family 11 subfamily B member 1; minus strand). Cytogenetic location: 8q24.3.
Variant type: single nucleotide variant.
Coding change: c.367C>G on transcript NM_000497.4 (MANE Select); coding-DNA position 367, C replaced by G.
Protein change: p.Arg123Gly; replaces arginine 123 with glycine.
Molecular consequence: missense variant.
Genome position (GRCh38, 1-based): chr8:142,879,060, G>C on the plus strand (C>G on the coding strand, the complement: CYP11B1 is on the minus strand). VCF-style: chr8-142879060-G-C. GRCh37 (hg19) VCF-style: chr8-143960476-G-C.
Other names: c.367C>G, p.Arg123Gly (NM_001026213.1); short protein forms R123G.
Identifiers: ClinVar variation 3353687 (VCV003353687.2).

ClinVar aggregate classification (germline): Uncertain significance. Review status: criteria provided, single submitter (1 of 4 stars). 2 submissions from 2 submitters: Uncertain significance (1). 1 of the submissions does not count toward it. Last evaluated 2024-10-23.

Conditions:
CYP11B1-related disorder. Also called: CYP11B1-related condition.

gnomAD v4.1: 10 of 1,614,020 alleles (0.00062%); highest among the groups gnomAD compares: African/African-American, 0.0053%; no homozygotes.

Submissions (2):

Labcorp Genetics (formerly Invitae), Labcorp
Classification: Uncertain significance. Last evaluated: 2024-10-23. Review status: criteria provided, single submitter. Criteria: Invitae Variant Classification Sherloc (09022015). Collection method: clinical testing. Allele origin: germline.
Comment: This sequence change replaces arginine, which is basic and polar, with glycine, which is neutral and non-polar, at codon 123 of the CYP11B1 protein (p.Arg123Gly). This variant is present in population databases (rs145050906, gnomAD 0.008%). This missense change has been observed in individual(s) with autosomal recessive CYP11B1-related conditions (PMID: 29858860). Invitae Evidence Modeling of protein sequence and biophysical properties (such as structural, functional, and spatial information, amino acid conservation, physicochemical variation, residue mobility, and thermodynamic stability) indicates that this missense variant is not expected to disrupt CYP11B1 protein function with a negative predictive value of 95%. Algorithms developed to predict the effect of sequence changes on RNA splicing suggest that this variant may disrupt the consensus splice site. In summary, the available evidence is currently insufficient to determine the role of this variant in disease. Therefore, it has been classified as a Variant of Uncertain Significance.

PreventionGenetics, part of Exact Sciences
Classification: Uncertain significance for CYP11B1-related condition. Last evaluated: 2024-06-19. Review status: no assertion criteria provided. Collection method: clinical testing. Allele origin: germline. Not counted in ClinVar's aggregate classification.
Comment: The CYP11B1 c.367C>G variant is predicted to result in the amino acid substitution p.Arg123Gly. This variant has been reported in the compound heterozygous state with an established causative CYP11B1 variant in an individual with 11-β-hydroxylase deficiency (11β-OHD) (Bulsari et al. 2018. PubMed ID: 29858860). This variant is reported in 0.0080% of alleles in individuals of African descent in gnomAD. Although we suspect that this variant may be pathogenic, at this time, the clinical significance of this variant is uncertain due to the absence of conclusive functional and genetic evidence.

Literature cited by the submitters: PubMed 29858860 (cited by Labcorp Genetics (formerly Invitae), Labcorp).